The following is an entry in ClinVar:

ClinVar aggregate classification (germline): Uncertain significance (1 of 4 stars; one submission).

Submission:

GeneDx
Classification: Uncertain significance. Last evaluated: 2024-02-23. Review status: criteria provided, single submitter. Criteria: GeneDx Variant Classification Process June 2021. Collection method: clinical testing. Allele origin: germline. Affected: yes.
Comment: Not observed at significant frequency in large population cohorts (gnomAD); In silico analysis supports that this missense variant has a deleterious effect on protein structure/function; Has not been previously published as pathogenic or benign to our knowledge

NM_006852.6(TLK2):c.713T>C (p.Leu238Ser)

Gene: TLK2 (tousled like kinase 2; plus strand). Cytogenetic location: 17q23.2.
Variant type: single nucleotide variant.
Coding change: c.713T>C on transcript NM_006852.6 (MANE Select); coding-DNA position 713, T replaced by C.
Protein change: p.Leu238Ser; replaces leucine 238 with serine.
Molecular consequence: missense variant. On other transcripts: intron variant (1).
Genome position (GRCh38, 1-based): chr17:62,553,748, T>C. VCF-style: chr17-62553748-T-C. GRCh37 (hg19) VCF-style: chr17-60631109-T-C.
Other names: c.713T>C, p.Leu238Ser (NM_001284333.3, NM_001375270.1, NM_001375271.1); c.617T>C, p.Leu206Ser (NM_001284363.1, NM_001375272.1); c.266T>C, p.Leu89Ser (NM_001330418.3, NM_001375273.1); c.755T>C, p.Leu252Ser (NM_001375269.1); c.436-6268T>C (NM_001411074.1); short protein forms L206S, L238S, L252S, L89S.
Identifiers: ClinVar variation 3369551 (VCV003369551.1).